The following is an entry in ClinVar:

NM_001130823.3(DNMT1):c.80+11T>C

Genes: DNMT1 (DNA methyltransferase 1; minus strand), LOC130063472 (ATAC-STARR-seq lymphoblastoid silent region 10057; plus strand). Cytogenetic location: 19p13.2.
Variant type: single nucleotide variant.
Coding change: c.80+11T>C on transcript NM_001130823.3 (MANE Select); 11 bases into the intron after coding-DNA position 80, T replaced by C.
Molecular consequence: intron variant.
Genome position (GRCh38, 1-based): chr19:10,194,809, A>G on the plus strand (T>C on the coding strand, the complement: DNMT1 is on the minus strand). VCF-style: chr19-10194809-A-G. GRCh37 (hg19) VCF-style: chr19-10305485-A-G.
Other names: c.80+11T>C (LRG_362t1, NM_001379.4, NM_001318730.2); c.-244+11T>C (NM_001318731.2).
Identifiers: ClinVar variation 383079 (VCV000383079.6), dbSNP rs368945230, ClinGen allele CA9188872.

ClinVar aggregate classification (germline): Likely benign. Review status: criteria provided, multiple submitters, no conflicts (2 of 4 stars). 2 submissions from 2 submitters: Likely benign (2). Last evaluated 2025-07-01.

Conditions:
Hereditary sensory neuropathy-deafness-dementia syndrome. Also called: Hereditary sensory neuropathy type IE; NEUROPATHY, HEREDITARY SENSORY, WITH HEARING LOSS AND DEMENTIA; Hereditary Sensory and Autonomic Neuropathy Type 1E (HSAN1E); HSN IE. Identifiers: Orphanet 456318, MedGen C3279885, MONDO:0013584, OMIM 614116.

Allele frequency attached by ClinVar (database versions not stated): ExAC 0.00004; ESP Exome Variant Server 0.00008; TOPMed 0.00009.
gnomAD v4.1: 163 of 1,595,020 alleles (0.01%); highest among the groups gnomAD compares: Admixed American, 0.025%; no homozygotes.

Submissions (2):

Labcorp Genetics (formerly Invitae), Labcorp
Classification: Likely benign for Hereditary sensory neuropathy-deafness-dementia syndrome. Last evaluated: 2025-07-01. Review status: criteria provided, single submitter. Criteria: Invitae Variant Classification Sherloc (09022015). Collection method: clinical testing. Allele origin: germline.

GeneDx
Classification: Likely benign. Last evaluated: 2017-08-01. Review status: criteria provided, single submitter. Criteria: GeneDx Variant Classification (06012015). Collection method: clinical testing. Allele origin: germline. Affected: yes.
Comment: This variant is considered likely benign or benign based on one or more of the following criteria: it is a conservative change, it occurs at a poorly conserved position in the protein, it is predicted to be benign by multiple in silico algorithms, and/or has population frequency not consistent with disease.